The following is an entry in ClinVar:

ClinVar aggregate classification (germline): Uncertain significance (1 of 4 stars; one submission).

gnomAD v4.1: 2 of 1,613,236 alleles (0.00012%); highest among the groups gnomAD compares: Non-Finnish European, 0.00017%; no homozygotes.

Submission:

Labcorp Genetics (formerly Invitae), Labcorp
Classification: Uncertain significance. Last evaluated: 2025-12-10. Review status: criteria provided, single submitter. Criteria: Invitae Variant Classification Sherloc (09022015). Collection method: clinical testing. Allele origin: germline.
Comment: This sequence change affects an acceptor splice site in intron 5 of the MYLK3 gene. It is expected to disrupt RNA splicing. Variants that disrupt the donor or acceptor splice site typically lead to a loss of protein function (PMID: 16199547), however the current clinical and genetic evidence is not sufficient to establish whether loss-of-function variants in MYLK3 cause disease. This variant is not present in population databases (gnomAD no frequency). This variant has not been reported in the literature in individuals affected with MYLK3-related conditions. ClinVar contains an entry for this variant (Variation ID: 3619967). Algorithms developed to predict the effect of sequence changes on RNA splicing suggest that this variant may disrupt the consensus splice site. In summary, the available evidence is currently insufficient to determine the role of this variant in disease. Therefore, it has been classified as a Variant of Uncertain Significance.

Literature cited by the submitters: PubMed 16199547.

NM_182493.3(MYLK3):c.1569-2A>C

Gene: MYLK3 (myosin light chain kinase 3; minus strand). Cytogenetic location: 16q11.2.
Variant type: single nucleotide variant.
Coding change: c.1569-2A>C on transcript NM_182493.3 (MANE Select); the canonical splice acceptor site of the intron before coding-DNA position 1569, A replaced by C.
Molecular consequence: splice acceptor variant.
Genome position (GRCh38, 1-based): chr16:46,729,689, T>G on the plus strand (A>C on the coding strand, the complement: MYLK3 is on the minus strand). VCF-style: chr16-46729689-T-G. GRCh37 (hg19) VCF-style: chr16-46763601-T-G.
Other names: c.546-2A>C (NM_001308301.1).
Identifiers: ClinVar variation 3619967 (VCV003619967.2).